The following is an entry in ClinVar:

ClinVar aggregate classification (germline): Uncertain significance (1 of 4 stars; one submission).

Conditions:
Ataxia-telangiectasia syndrome (AT). Also called: LOUIS-BAR SYNDROME; Cerebello-oculocutaneous telangiectasia; Immunodeficiency with ataxia telangiectasia; Ataxia-telangiectasia, complementation group D; AT, COMPLEMENTATION GROUP C; Ataxia-telangiectasia, complementation group E. Identifiers: Orphanet 100, MedGen C0004135, MONDO:0008840, OMIM 208900.

Submission:

Labcorp Genetics (formerly Invitae), Labcorp
Classification: Uncertain significance for Ataxia-telangiectasia syndrome. Last evaluated: 2024-05-17. Review status: criteria provided, single submitter. Criteria: Invitae Variant Classification Sherloc (09022015). Collection method: clinical testing. Allele origin: germline.
Comment: This sequence change falls in intron 62 of the ATM gene. It does not directly change the encoded amino acid sequence of the ATM protein. This variant is present in population databases (rs767175242, gnomAD 0.01%). This variant has not been reported in the literature in individuals affected with ATM-related conditions. ClinVar contains an entry for this variant (Variation ID: 407463). Algorithms developed to predict the effect of sequence changes on RNA splicing suggest that this variant may disrupt the consensus splice site. In summary, the available evidence is currently insufficient to determine the role of this variant in disease. Therefore, it has been classified as a Variant of Uncertain Significance.

NM_000051.4(ATM):c.8988-6_8988-4del

Genes: C11orf65 (chromosome 11 open reading frame 65; minus strand), ATM (ATM serine/threonine kinase; plus strand). Cytogenetic location: 11q22.3.
Variant type: Deletion.
Coding change: c.8988-6_8988-4del on transcript NM_000051.4 (MANE Select); 6 bases into the intron before coding-DNA position 8988 through 4 bases into the intron before coding-DNA position 8988, 3 bases deleted (CCT; older notation c.8988-6_8988-4delCCT).
Molecular consequence: intron variant.
Genome position (GRCh38, 1-based): chr11:108,365,319-108,365,321, CCT deleted; deleting any 3 consecutive bases within chr11:108,365,318-108,365,321 gives the same sequence; the c. name uses the placement nearest the transcript's 3' end. VCF-style (leftmost placement, unchanged base first): chr11-108365317-GTCC-G. GRCh37 (hg19) VCF-style: chr11-108236044-GTCC-G.
Other names: c.8988-6_8988-4delCCT (NM_000051.3); c.8988-6_8988-4del (NM_001351834.2); c.640+20600_640+20602del (NM_001330368.2); c.694+20600_694+20602del (NM_001351110.2).
Identifiers: ClinVar variation 407463 (VCV000407463.7), dbSNP rs767175242, ClinGen allele CA6266513.